The following is an entry in ClinVar:

ClinVar aggregate classification (germline): Uncertain significance. Review status: criteria provided, multiple submitters, no conflicts (2 of 4 stars). 8 submissions from 7 submitters: Uncertain significance (7). 1 of the submissions does not count toward it. Last evaluated 2025-06-03.

Conditions:
Inborn genetic diseases. Identifiers: MedGen C0950123, MeSH D030342.
Usher syndrome type 2A. Also called: RETINAL DISEASE IN USHER SYNDROME TYPE IIA, MODIFIER OF; USHER SYNDROME, TYPE IIA. Identifiers: Orphanet 231178, Orphanet 886, MedGen C1848634, MONDO:0010169, OMIM 276901.
Retinitis pigmentosa 39 (RP39). Identifiers: Orphanet 791, MedGen C3151138, MONDO:0013436, OMIM 613809.

Allele frequency attached by ClinVar (database versions not stated): gnomAD exomes 0.00002 and 0.00004; ExAC 0.00003; gnomAD 0.00010 and 0.00011; TOPMed 0.00011; ESP Exome Variant Server 0.00015.
gnomAD v4.1: 38 of 1,613,994 alleles (0.0024%); highest among the groups gnomAD compares: African/African-American, 0.032%; no homozygotes.

Submissions (8):

Ambry Genetics
Classification: Uncertain significance for Inborn genetic diseases. Last evaluated: 2025-06-03. Review status: criteria provided, single submitter. Criteria: Ambry Variant Classification Scheme 2023. Collection method: clinical testing. Allele origin: germline.

CeGaT Center for Human Genetics Tuebingen
Classification: Uncertain significance. Last evaluated: 2025-06-01. Review status: criteria provided, single submitter. Criteria: CeGaT Center For Human Genetics Tuebingen Variant Classification Criteria Version 2. Collection method: clinical testing. Allele origin: germline. Affected: yes. Observed: 1 variant allele.
Comment: USH2A: PM2, BP4

Blueprint Genetics
Classification: Uncertain significance. Last evaluated: 2024-07-10. Review status: criteria provided, single submitter. Criteria: ACMG Guidelines, 2015. Collection method: clinical testing. Allele origin: germline.

Genome-Nilou Lab
Classification: Uncertain significance for Retinitis pigmentosa 39. Last evaluated: 2023-11-04. Review status: criteria provided, single submitter. Criteria: ACMG Guidelines, 2015. Collection method: clinical testing. Allele origin: germline. Affected: no.

Genome-Nilou Lab
Classification: Uncertain significance for Usher syndrome type 2A. Last evaluated: 2023-11-04. Review status: criteria provided, single submitter. Criteria: ACMG Guidelines, 2015. Collection method: clinical testing. Allele origin: germline. Affected: no.

Labcorp Genetics (formerly Invitae), Labcorp
Classification: Uncertain significance. Last evaluated: 2022-06-04. Review status: criteria provided, single submitter. Criteria: Invitae Variant Classification Sherloc (09022015). Collection method: clinical testing. Allele origin: germline.
Comment: This sequence change replaces serine, which is neutral and polar, with phenylalanine, which is neutral and non-polar, at codon 1349 of the USH2A protein (p.Ser1349Phe). This variant is present in population databases (rs145148501, gnomAD 0.02%). This variant has not been reported in the literature in individuals affected with USH2A-related conditions. ClinVar contains an entry for this variant (Variation ID: 1215648). Algorithms developed to predict the effect of missense changes on protein structure and function output the following: SIFT: "Deleterious"; PolyPhen-2: "Benign"; Align-GVGD: "Class C15". The phenylalanine amino acid residue is found in multiple mammalian species, which suggests that this missense change does not adversely affect protein function. In summary, the available evidence is currently insufficient to determine the role of this variant in disease. Therefore, it has been classified as a Variant of Uncertain Significance.

GeneDx
Classification: Uncertain significance. Last evaluated: 2022-04-27. Review status: criteria provided, single submitter. Criteria: GeneDx Variant Classification Process June 2021. Collection method: clinical testing. Allele origin: germline. Affected: yes.
Comment: In silico analysis, which includes protein predictors and evolutionary conservation, supports that this variant does not alter protein structure/function; Has not been previously published as pathogenic or benign to our knowledge

Natera, Inc.
Classification: Uncertain significance for Usher syndrome type 2A. Last evaluated: 2020-01-24. Review status: no assertion criteria provided. Collection method: clinical testing. Allele origin: germline. Not counted in ClinVar's aggregate classification.

NM_206933.4(USH2A):c.4046C>T (p.Ser1349Phe)

Genes: USH2A (usherin; minus strand), USH2A-AS1 (USH2A antisense RNA 1; plus strand). Cytogenetic location: 1q41.
Variant type: single nucleotide variant.
Coding change: c.4046C>T on transcript NM_206933.4 (MANE Select); coding-DNA position 4046, C replaced by T.
Protein change: p.Ser1349Phe; replaces serine 1349 with phenylalanine.
Molecular consequence: missense variant.
Genome position (GRCh38, 1-based): chr1:216,198,350, G>A on the plus strand (C>T on the coding strand, the complement: USH2A is on the minus strand). VCF-style: chr1-216198350-G-A. GRCh37 (hg19) VCF-style: chr1-216371692-G-A.
Other names: c.4046C>T, p.Ser1349Phe (NM_007123.6); short protein forms S1349F.
Identifiers: ClinVar variation 1215648 (VCV001215648.24), dbSNP rs145148501, ClinGen allele CA1395844.